The following is an entry in ClinVar:

NM_001127649.3(PEX26):c.250T>A (p.Ser84Thr)

Gene: PEX26 (peroxisomal biogenesis factor 26; plus strand). Cytogenetic location: 22q11.21.
Variant type: single nucleotide variant.
Coding change: c.250T>A on transcript NM_001127649.3 (MANE Select); coding-DNA position 250, T replaced by A.
Protein change: p.Ser84Thr; replaces serine 84 with threonine.
Molecular consequence: missense variant.
Genome position (GRCh38, 1-based): chr22:18,079,893, T>A. VCF-style: chr22-18079893-T-A. GRCh37 (hg19) VCF-style: chr22-18562659-T-A.
Other names: c.250T>A, p.Ser84Thr (NM_001199319.2, NM_017929.6); c.250T>A (NM_017929.5); short protein forms S84T.
Identifiers: ClinVar variation 1420114 (VCV001420114.6), dbSNP rs1482137285, ClinGen allele CA410265603.

ClinVar aggregate classification (germline): Uncertain significance. Review status: criteria provided, multiple submitters, no conflicts (2 of 4 stars). 2 submissions from 2 submitters: Uncertain significance (2). Last evaluated 2025-06-10.

Conditions:
Inborn genetic diseases. Identifiers: MedGen C0950123, MeSH D030342.
Peroxisome biogenesis disorder 7A (Zellweger). Also called: Peroxisome biogenesis disorder 7A. Identifiers: Orphanet 912, MedGen C3888385, MONDO:0013938, OMIM 614872.
Peroxisome biogenesis disorder 7B (PBD7B). Identifiers: Orphanet 44, MedGen C3553951, MONDO:0013939, OMIM 614873.

Allele frequency attached by ClinVar (database versions not stated): gnomAD exomes 0.00001 and below 0.00001.
gnomAD v4.1: 11 of 1,614,094 alleles (0.00068%); highest among the groups gnomAD compares: Non-Finnish European, 0.00093%; no homozygotes.

Submissions (2):

Ambry Genetics
Classification: Uncertain significance for Inborn genetic diseases. Last evaluated: 2025-06-10. Review status: criteria provided, single submitter. Criteria: Ambry Variant Classification Scheme 2023. Collection method: clinical testing. Allele origin: germline.

Labcorp Genetics (formerly Invitae), Labcorp
Classification: Uncertain significance for Peroxisome biogenesis disorder 7A (Zellweger); Peroxisome biogenesis disorder 7B. Last evaluated: 2021-08-28. Review status: criteria provided, single submitter. Criteria: Invitae Variant Classification Sherloc (09022015). Collection method: clinical testing. Allele origin: germline.
Comment: This sequence change replaces serine with threonine at codon 84 of the PEX26 protein (p.Ser84Thr). The serine residue is highly conserved and there is a small physicochemical difference between serine and threonine. This variant is not present in population databases (ExAC no frequency). This variant has not been reported in the literature in individuals affected with PEX26-related conditions. Algorithms developed to predict the effect of missense changes on protein structure and function are either unavailable or do not agree on the potential impact of this missense change (SIFT: "Tolerated"; PolyPhen-2: "Possibly Damaging"; Align-GVGD: "Class C0"). In summary, the available evidence is currently insufficient to determine the role of this variant in disease. Therefore, it has been classified as a Variant of Uncertain Significance.